The following is an entry in ClinVar:

ClinVar aggregate classification (germline): Pathogenic (1 of 4 stars; one submission).

Submission:

GeneDx
Classification: Pathogenic. Last evaluated: 2017-02-23. Review status: criteria provided, single submitter. Criteria: GeneDx Variant Classification (06012015). Collection method: clinical testing. Allele origin: germline. Affected: yes.
Comment: The c.128_140del13 variant in the EBP gene has not been reported previously as a pathogenic variant nor as a benign variant, to our knowledge. The c.128_140del13 variant causes a frameshift starting with codon Valine 43, changes this amino acid to a Glycine residue, and creates a premature Stop codon at position 32 of the new reading frame, denoted p.Val43GlyfsX32. This variant is predicted to cause loss of normal protein function either through protein truncation or nonsense-mediated mRNA decay. The c.128_140del13 variant is not observed in large population cohorts (Lek et al., 2016; 1000 Genomes Consortium et al., 2015; Exome Variant Server). We interpret c.128_140del13 as a pathogenic variant.

NM_006579.3(EBP):c.128_140del (p.Val43fs)

Gene: EBP (EBP cholestenol delta-isomerase; plus strand). Cytogenetic location: Xp11.23.
Variant type: Deletion.
Coding change: c.128_140del on transcript NM_006579.3 (MANE Select); coding-DNA positions 128 to 140, 13 bases deleted (TCGTGACCACATG).
Protein change: p.Val43fs; shifts the reading frame from valine 43.
Molecular consequence: frameshift variant.
Genome position (GRCh38, 1-based): chrX:48,523,899-48,523,911, TCGTGACCACATG deleted; deleting any 13 consecutive bases within chrX:48,523,898-48,523,911 gives the same sequence; the c. name uses the placement nearest the transcript's 3' end. VCF-style (leftmost placement, unchanged base first): chrX-48523897-AGTCGTGACCACAT-A. GRCh37 (hg19) VCF-style: chrX-48382285-AGTCGTGACCACAT-A.
Other names: short protein forms V43fs.
Identifiers: ClinVar variation 423969 (VCV000423969.2), dbSNP rs1064796721, ClinGen allele CA16621414.